The following is an entry in ClinVar:

NM_032620.4(GTPBP3):c.12del (p.Leu5fs)

Gene: GTPBP3 (GTP binding protein 3, mitochondrial; plus strand). Cytogenetic location: 19p13.11.
Variant type: Deletion.
Coding change: c.12del on transcript NM_032620.4 (MANE Select); coding-DNA position 12, one base deleted (G; older notation c.12delG).
Protein change: p.Leu5fs; shifts the reading frame from leucine 5.
Molecular consequence: frameshift variant. On other transcripts: intron variant (1).
Genome position (GRCh38, 1-based): chr19:17,337,623, G deleted; the last of 5 consecutive G bases (chr19:17,337,619-17,337,623); deleting any one gives the same sequence. VCF-style (leftmost placement, unchanged base first): chr19-17337618-CG-C. GRCh37 (hg19) VCF-style: chr19-17448427-CG-C.
Other names: c.12del, p.Leu5fs (NM_001128855.3, NM_133644.4); c.120-385del (NM_001195422.1); short protein forms L5fs.
Identifiers: ClinVar variation 2254426 (VCV002254426.2), dbSNP rs2513201032, ClinGen allele CA2580096703.
Genomic context (GRCh38, chr19:17,337,618, plus strand): 5'-CAGACTTGAAGCCACACAGGCAGGTCGGGCAGGCGGGTCGCAGGTTGTAAATCCATGTGG[CG>C]GGGGCTTTGGACCCTGGCGGCCCAAGCGGCACGTGGGCCTCGCAGGTGGGGCTACAGGGG-3'

ClinVar aggregate classification (germline): Pathogenic (1 of 4 stars; one submission).

Conditions:
Inborn genetic diseases. Identifiers: MedGen C0950123, MeSH D030342.

Submission:

Ambry Genetics
Classification: Pathogenic for Inborn genetic diseases. Last evaluated: 2021-11-24. Review status: criteria provided, single submitter. Criteria: Ambry Variant Classification Scheme 2023. Collection method: clinical testing. Allele origin: germline.
Comment: The c.12delG (p.L5Ffs*35) alteration, located in exon 1 (coding exon 1) of the GTPBP3 gene, consists of a deletion of one nucleotide at position 12, causing a translational frameshift with a predicted alternate stop codon after 35 amino acids. This alteration is expected to result in loss of function by premature protein truncation or nonsense-mediated mRNA decay. This variant was not reported in population-based cohorts in the Genome Aggregation Database (gnomAD). Based on the available evidence, this alteration is classified as pathogenic.